The following is an entry in ClinVar:

NM_000059.4(BRCA2):c.6509A>G (p.Lys2170Arg)

Gene: BRCA2 (BRCA2 DNA repair associated; plus strand). Cytogenetic location: 13q13.1.
Variant type: single nucleotide variant.
Coding change: c.6509A>G on transcript NM_000059.4 (MANE Select); coding-DNA position 6509, A replaced by G.
Protein change: p.Lys2170Arg; replaces lysine 2170 with arginine.
Molecular consequence: missense variant.
Genome position (GRCh38, 1-based): chr13:32,340,864, A>G. VCF-style: chr13-32340864-A-G. GRCh37 (hg19) VCF-style: chr13-32915001-A-G.
Other names: short protein forms K2170R.
Identifiers: ClinVar variation 628703 (VCV000628703.17), dbSNP rs1252272917, ClinGen allele CA387789574.
Genomic context (GRCh38, chr13:32,340,864, plus strand): 5'-AAGTTTCTCCATATCTCTCTCAATTTCAACAAGACAAACAACAGTTGGTATTAGGAACCA[A>G]AGTGTCACTTGTTGAGAACATTCATGTTTTGGGAAAAGAACAGGCTTCACCTAAAAACGT-3'
Protein context (NP_000050.3, residues 2160-2180): QDKQQLVLGT[Lys2170Arg]VSLVENIHVL

ClinVar aggregate classification (germline): Conflicting classifications of pathogenicity. Review status: criteria provided, conflicting classifications (1 of 4 stars). 5 submissions from 5 submitters: Uncertain significance (4); Likely benign (1). Last evaluated 2024-04-17.

Conditions:
Hereditary cancer-predisposing syndrome. Also called: Tumor predisposition; Neoplastic Syndromes, Hereditary; Hereditary Cancer Syndrome; Hereditary neoplastic syndrome. Identifiers: Orphanet 140162, MedGen C0027672, MeSH D009386, MONDO:0015356.
Hereditary breast ovarian cancer syndrome. Also called: Hereditary breast and ovarian cancer; Hereditary breast and ovarian cancer syndrome (HBOC); Hereditary breast and/or ovarian cancer syndrome; Hereditary breast and ovarian cancer syndrome; Breast and ovarian cancer; BRCA1- and BRCA2-Associated Hereditary Breast and Ovarian Cancer. Identifiers: Orphanet 145, MedGen C0677776, MeSH D061325, MONDO:0003582. Disease mechanism: loss of function.
Breast-ovarian cancer, familial, susceptibility to, 2 (BROVCA2). Also called: BRCA2 Hereditary Breast and Ovarian Cancer. Identifiers: Orphanet 145, MedGen C2675520, MONDO:0012933, OMIM 612555. Disease mechanism: loss of function.

Allele frequency attached by ClinVar (database versions not stated): gnomAD exomes below 0.00001; TOPMed below 0.00001.
gnomAD v4.1: 1 of 1,600,642 alleles (0.000062%); highest among the groups gnomAD compares: Non-Finnish European, 0.000085%; no homozygotes.

Submissions (5):

Ambry Genetics
Classification: Uncertain significance for Hereditary cancer-predisposing syndrome. Last evaluated: 2024-04-17. Review status: criteria provided, single submitter. Criteria: Ambry Variant Classification Scheme 2023. Collection method: clinical testing. Allele origin: germline.
Comment: The p.K2170R variant (also known as c.6509A>G), located in coding exon 10 of the BRCA2 gene, results from an A to G substitution at nucleotide position 6509. The lysine at codon 2170 is replaced by arginine, an amino acid with highly similar properties. This amino acid position is not well conserved in available vertebrate species. In addition, this alteration is predicted to be tolerated by in silico analysis. Since supporting evidence is limited at this time, the clinical significance of this alteration remains unclear.

All of Us Research Program, National Institutes of Health
Classification: Uncertain significance for Breast-ovarian cancer, familial, susceptibility to, 2. Last evaluated: 2023-06-26. Review status: criteria provided, single submitter. Criteria: ACMG Guidelines, 2015. Collection method: clinical testing. Allele origin: germline. Inheritance: Autosomal dominant inheritance. Observed: 1 variant allele, 1 heterozygote.
Comment: This missense variant replaces lysine with arginine at codon 2170 of the BRCA2 protein. Computational prediction suggests that this variant may not impact protein structure and function (internally defined REVEL score threshold <= 0.5, PMID: 27666373). To our knowledge, functional studies have not been reported for this variant. This variant has not been reported in individuals affected with BRCA2-related disorders in the literature. This variant has not been identified in the general population by the Genome Aggregation Database (gnomAD). The available evidence is insufficient to determine the role of this variant in disease conclusively. Therefore, this variant is classified as a Variant of Uncertain Significance.

This study involves interpretation of variants in research participants for the purpose of population health screening. Participant phenotype was not available at the time of variant classification. Additional details can be found in publication PMID: 35346344, PMCID: PMC8962531

Color Diagnostics, LLC DBA Color Health
Classification: Uncertain significance for Hereditary cancer-predisposing syndrome. Last evaluated: 2023-06-15. Review status: criteria provided, single submitter. Criteria: ACMG Guidelines, 2015. Collection method: clinical testing. Allele origin: germline.
Comment: This missense variant replaces lysine with arginine at codon 2170 of the BRCA2 protein. Computational prediction suggests that this variant may not impact protein structure and function (internally defined REVEL score threshold <= 0.5, PMID: 27666373). To our knowledge, functional studies have not been reported for this variant. This variant has not been reported in individuals affected with BRCA2-related disorders in the literature. This variant has not been identified in the general population by the Genome Aggregation Database (gnomAD). The available evidence is insufficient to determine the role of this variant in disease conclusively. Therefore, this variant is classified as a Variant of Uncertain Significance.

University of Washington Department of Laboratory Medicine, University of Washington
Classification: Likely benign for Hereditary cancer-predisposing syndrome. Last evaluated: 2023-03-23. Review status: criteria provided, single submitter. Criteria: Dines et al. (Genet Med. 2020). Collection method: curation. Allele origin: germline.
Comment: Missense variant in a coldspot region where missense variants are very unlikely to be pathogenic (PMID:31911673).

BRCA2 exon 11 coldspot. Reclassification based on statistical prior probability.

Labcorp Genetics (formerly Invitae), Labcorp
Classification: Uncertain significance for Hereditary breast ovarian cancer syndrome. Last evaluated: 2020-06-01. Review status: criteria provided, single submitter. Criteria: Invitae Variant Classification Sherloc (09022015). Collection method: clinical testing. Allele origin: germline.
Comment: In summary, this variant is a novel missense change that is not predicted to affect protein function. There is no indication that it causes disease, but the available evidence is currently insufficient to prove that conclusively. Therefore, it has been classified as a Variant of Uncertain Significance. Algorithms developed to predict the effect of missense changes on protein structure and function output the following: (SIFT: "Tolerated"; PolyPhen-2: "Benign"; Align-GVGD: "Class C0"). The arginine amino acid residue is found in multiple mammalian species, suggesting that this missense change does not adversely affect protein function. These predictions have not been confirmed by published functional studies. This variant is not present in population databases (ExAC no frequency) and has not been reported in the literature in individuals with a BRCA2-related disease. This sequence change replaces lysine with arginine at codon 2170 of the BRCA2 protein (p.Lys2170Arg). The lysine residue is weakly conserved and there is a small physicochemical difference between lysine and arginine.